The following is an entry in ClinVar:

ClinVar aggregate classification (germline): Uncertain significance (1 of 4 stars; one submission).

gnomAD v4.1: 2 of 1,613,362 alleles (0.00012%); highest among the groups gnomAD compares: East Asian, 0.0045%; no homozygotes.

Submission:

Ambry Genetics
Classification: Uncertain significance. Last evaluated: 2026-09-14. Review status: criteria provided, single submitter. Criteria: Ambry Variant Classification Scheme 2023. Collection method: clinical testing. Allele origin: germline.
Comment: The p.G446V variant (also known as c.1337G>T), located in coding exon 7 of the PKP4 gene, results from a G to T substitution at nucleotide position 1337. The glycine at codon 446 is replaced by valine, an amino acid with dissimilar properties. This amino acid position is conserved. In addition, this alteration is predicted to be deleterious by in silico analysis. Based on the available evidence, the clinical significance of this variant remains unclear.

NM_003628.6(PKP4):c.1337G>T (p.Gly446Val)

Gene: PKP4 (plakophilin 4; plus strand). Cytogenetic location: 2q24.1.
Variant type: single nucleotide variant.
Coding change: c.1337G>T on transcript NM_003628.6 (MANE Select); coding-DNA position 1337, G replaced by T.
Protein change: p.Gly446Val; replaces glycine 446 with valine.
Molecular consequence: missense variant.
Genome position (GRCh38, 1-based): chr2:158,631,936, G>T. VCF-style: chr2-158631936-G-T. GRCh37 (hg19) VCF-style: chr2-159488448-G-T.
Other names: c.1337G>T, p.Gly446Val (NM_001377219.1, NM_001377220.1, NM_001377221.1 and 6 more transcripts); c.1331G>T, p.Gly444Val (NM_001377222.1, NM_001377223.1, NM_001377224.1); c.311G>T, p.Gly104Val (NM_001304970.3); short protein forms G444V, G104V, G446V.
Identifiers: ClinVar variation 5026808 (VCV005026808.1).